The following is an entry in ClinVar:

ClinVar aggregate classification (germline): Uncertain significance (1 of 4 stars; one submission).

Conditions:
DCHS1-related disorder. Also called: DCHS1-related condition.

Submission:

PreventionGenetics, part of Exact Sciences
Classification: Uncertain significance for DCHS1-related condition. Last evaluated: 2025-09-13. Review status: criteria provided, single submitter. Criteria: ACMG Guidelines, 2015. Collection method: clinical testing. Allele origin: germline.
Comment: The DCHS1 c.4321_4322delinsGG variant is predicted to result in an in-frame deletion and insertion. To our knowledge, this variant has not been reported in the literature or in a large population database (gnomAD), indicating this variant is rare. This variant is interpreted as no interpretation set.

NM_003737.4(DCHS1):c.4321_4322delinsGG (p.Leu1441Gly)

Gene: DCHS1 (dachsous cadherin-related 1; minus strand). Cytogenetic location: 11p15.4.
Variant type: Indel.
Coding change: c.4321_4322delinsGG on transcript NM_003737.4 (MANE Select); coding-DNA positions 4321 to 4322, CT replaced by GG.
Protein change: p.Leu1441Gly; replaces leucine 1441 with glycine.
Molecular consequence: missense variant.
Genome position (GRCh38, 1-based): chr11:6,630,472-6,630,473, AG replaced by CC on the plus strand (CT replaced by GG on the coding strand, the reverse complement: DCHS1 is on the minus strand). VCF-style: chr11-6630472-AG-CC. GRCh37 (hg19) VCF-style: chr11-6651703-AG-CC.
Other names: short protein forms L1441G.
Identifiers: ClinVar variation 4994539 (VCV004994539.1).